The following is an entry in ClinVar:

ClinVar aggregate classification (germline): Uncertain significance. Review status: criteria provided, multiple submitters, no conflicts (2 of 4 stars). 2 submissions from 2 submitters: Uncertain significance (2). Last evaluated 2026-06-17.

Allele frequency attached by ClinVar (database versions not stated): gnomAD exomes below 0.00001.
gnomAD v4.1: 2 of 1,610,492 alleles (0.00012%); highest among the groups gnomAD compares: Non-Finnish European, 0.000085%; no homozygotes.

Submissions (2):

Women's Health and Genetics/Laboratory Corporation of America, LabCorp
Classification: Uncertain significance. Last evaluated: 2026-06-17. Review status: criteria provided, single submitter. Criteria: LabCorp Variant Classification Summary - May 2015. Collection method: clinical testing. Allele origin: germline.
Comment: Variant summary: TTN c.45854C>G (p.Pro15285Arg) results in a non-conservative amino acid change located in the A-band region of the encoded protein sequence. Algorithms developed to predict the effect of missense changes on protein structure and function all suggest that this variant is likely to be disruptive. The variant allele was found at a frequency of 1.2e-06 in 1603538 control chromosomes. The available data on variant occurrences in the general population are insufficient to allow any conclusion about variant significance. c.45854C>G has been observed in individual(s) affected with TTN-related conditions (e.g. Lian_2023). These report(s) do not provide unequivocal conclusions about association of the variant with disease. To our knowledge, no experimental evidence demonstrating an impact on protein function has been reported. The following publication have been ascertained in the context of this evaluation (PMID: 37461109). ClinVar contains an entry for this variant (Variation ID: 165987). Based on the evidence outlined above, the variant was classified as uncertain significance.

Laboratory for Molecular Medicine, Mass General Brigham Personalized Medicine
Classification: Uncertain significance. Last evaluated: 2013-04-17. Review status: criteria provided, single submitter. Criteria: LMM Criteria. Collection method: clinical testing. Allele origin: germline. Observed: 2 variant alleles.
Comment: Computational analyses (biochemical amino acid p roperties, conservation, AlignGVGD, PolyPhen2, and SIFT) suggest that it may imp act the protein, though this information is not predictive enough to determine p athogenicity. Additional information is needed to fully assess the clinical sign ificance of this variant.

Literature cited by the submitters: PubMed 37461109 (cited by Women's Health and Genetics/Laboratory Corporation of America, LabCorp).

NM_001267550.2(TTN):c.53558C>G (p.Pro17853Arg)

Genes: TTN (titin; minus strand), TTN-AS1 (TTN antisense RNA 1; plus strand). Cytogenetic location: 2q31.2.
Variant type: single nucleotide variant.
Coding change: c.53558C>G on transcript NM_001267550.2 (MANE Select); coding-DNA position 53558, C replaced by G.
Protein change: p.Pro17853Arg; replaces proline 17853 with arginine.
Molecular consequence: missense variant.
Genome position (GRCh38, 1-based): chr2:178,607,044, G>C on the plus strand (C>G on the coding strand, the complement: TTN is on the minus strand). VCF-style: chr2-178607044-G-C. GRCh37 (hg19) VCF-style: chr2-179471771-G-C.
Other names: c.45854C>G, p.Pro15285Arg (NM_133378.4); c.48635C>G, p.Pro16212Arg (NM_001256850.1); c.26363C>G, p.Pro8788Arg (NM_003319.4); c.26738C>G, p.Pro8913Arg (NM_133432.3); c.26939C>G, p.Pro8980Arg (NM_133437.4); short protein forms P15285R, P17853R, P16212R, P8913R, P8788R, P8980R.
Identifiers: ClinVar variation 165987 (VCV000165987.6), dbSNP rs727503609, ClinGen allele CA178760.